The following is an entry in ClinVar:

NM_002439.5(MSH3):c.1896dup (p.Cys633fs)

Gene: MSH3 (mutS homolog 3; plus strand). Cytogenetic location: 5q14.1.
Variant type: Duplication.
Coding change: c.1896dup on transcript NM_002439.5 (MANE Select); coding-DNA position 1896, one base duplicated (A; older notation c.1896dupA).
Protein change: p.Cys633fs; shifts the reading frame from cysteine 633.
Molecular consequence: frameshift variant.
Genome position (GRCh38, 1-based): chr5:80,761,678, A duplicated; the last of 6 consecutive A bases (chr5:80,761,673-80,761,678); duplicating any one gives the same sequence. VCF-style (leftmost placement, unchanged base first): chr5-80761672-C-CA. GRCh37 (hg19) VCF-style: chr5-80057491-C-CA.
Other names: short protein forms C633fs.
Identifiers: ClinVar variation 2184579 (VCV002184579.5), dbSNP rs2112880076, ClinGen allele CA2580073552.

ClinVar aggregate classification (germline): Pathogenic. Review status: criteria provided, multiple submitters, no conflicts (2 of 4 stars). 2 submissions from 2 submitters: Pathogenic (2). Last evaluated 2023-08-30.

Conditions:
Familial adenomatous polyposis 4 (FAP4). Also called: MSH3-related attenuated familial adenomatous polyposis. Identifiers: Orphanet 480536, MedGen C4310719, MONDO:0044300, OMIM 617100.

Submissions (2):

Myriad Genetics, Inc.
Classification: Pathogenic for Familial adenomatous polyposis 4. Last evaluated: 2023-08-30. Review status: criteria provided, single submitter. Criteria: Myriad Autosomal Dominant, Autosomal Recessive and X-Linked Classification Criteria (2023). Collection method: clinical testing. Allele origin: unknown.
Comment: This variant is considered pathogenic. This variant creates a frameshift predicted to result in premature protein truncation.

Labcorp Genetics (formerly Invitae), Labcorp
Classification: Pathogenic. Last evaluated: 2022-03-04. Review status: criteria provided, single submitter. Criteria: Invitae Variant Classification Sherloc (09022015). Collection method: clinical testing. Allele origin: germline.
Comment: For these reasons, this variant has been classified as Pathogenic. This variant has not been reported in the literature in individuals affected with MSH3-related conditions. This variant is not present in population databases (gnomAD no frequency). This sequence change creates a premature translational stop signal (p.Cys633Metfs*28) in the MSH3 gene. It is expected to result in an absent or disrupted protein product. Loss-of-function variants in MSH3 are known to be pathogenic (PMID: 27476653).

Literature cited by the submitters: PubMed 27476653 (cited by Labcorp Genetics (formerly Invitae), Labcorp).